The following is an entry in ClinVar:

NM_002381.5(MATN3):c.670C>T (p.Arg224Trp)

Gene: MATN3 (matrilin 3; minus strand). Cytogenetic location: 2p24.1.
Variant type: single nucleotide variant.
Coding change: c.670C>T on transcript NM_002381.5 (MANE Select); coding-DNA position 670, C replaced by T.
Protein change: p.Arg224Trp; replaces arginine 224 with tryptophan.
Molecular consequence: missense variant.
Genome position (GRCh38, 1-based): chr2:20,005,864, G>A on the plus strand (C>T on the coding strand, the complement: MATN3 is on the minus strand). VCF-style: chr2-20005864-G-A. GRCh37 (hg19) VCF-style: chr2-20205625-G-A.
Other names: short protein forms R224W.
Identifiers: ClinVar variation 1987941 (VCV001987941.5), dbSNP rs376123290, ClinGen allele CA1543927.

ClinVar aggregate classification (germline): Uncertain significance. Review status: criteria provided, multiple submitters, no conflicts (2 of 4 stars). 2 submissions from 2 submitters: Uncertain significance (2). Last evaluated 2025-05-12.

Allele frequency attached by ClinVar (database versions not stated): gnomAD exomes 0.00001; gnomAD 0.00002; TOPMed 0.00002; ExAC 0.00004; ESP Exome Variant Server 0.00008.

Submissions (2):

Labcorp Genetics (formerly Invitae), Labcorp
Classification: Uncertain significance. Last evaluated: 2025-05-12. Review status: criteria provided, single submitter. Criteria: Invitae Variant Classification Sherloc (09022015). Collection method: clinical testing. Allele origin: germline.
Comment: This sequence change replaces arginine, which is basic and polar, with tryptophan, which is neutral and slightly polar, at codon 224 of the MATN3 protein (p.Arg224Trp). This variant is present in population databases (rs376123290, gnomAD 0.004%). This variant has not been reported in the literature in individuals affected with MATN3-related conditions. ClinVar contains an entry for this variant (Variation ID: 1987941). Invitae Evidence Modeling of protein sequence and biophysical properties (such as structural, functional, and spatial information, amino acid conservation, physicochemical variation, residue mobility, and thermodynamic stability) indicates that this missense variant is expected to disrupt MATN3 protein function with a positive predictive value of 80%. In summary, the available evidence is currently insufficient to determine the role of this variant in disease. Therefore, it has been classified as a Variant of Uncertain Significance.

Clinical Genetics Laboratory, Skane University Hospital Lund
Classification: Uncertain significance. Last evaluated: 2023-08-29. Review status: criteria provided, single submitter. Criteria: ACMG Guidelines, 2015. Collection method: clinical testing. Allele origin: germline. Affected: yes.